The following is an entry in ClinVar:

NM_007289.4(MME):c.929del (p.Asn310fs)

Gene: MME (membrane metalloendopeptidase; plus strand). Cytogenetic location: 3q25.2.
Variant type: Deletion.
Coding change: c.929del on transcript NM_007289.4 (MANE Select); coding-DNA position 929, one base deleted (A; older notation c.929delA).
Protein change: p.Asn310fs; shifts the reading frame from asparagine 310.
Molecular consequence: frameshift variant.
Genome position (GRCh38, 1-based): chr3:155,140,264, A deleted; the last of 4 consecutive A bases (chr3:155,140,261-155,140,264); deleting any one gives the same sequence. VCF-style (leftmost placement, unchanged base first): chr3-155140260-CA-C. GRCh37 (hg19) VCF-style: chr3-154858049-CA-C.
Other names: c.929del, p.Asn310fs (NM_000902.5, NM_001354642.2, NM_001354643.1 and 2 more transcripts); short protein forms N310fs.
Identifiers: ClinVar variation 1424319 (VCV001424319.6), dbSNP rs2108308008, ClinGen allele CA2573136628.

ClinVar aggregate classification (germline): Pathogenic (1 of 4 stars; one submission).

Submission:

Labcorp Genetics (formerly Invitae), Labcorp
Classification: Pathogenic. Last evaluated: 2021-11-18. Review status: criteria provided, single submitter. Criteria: Invitae Variant Classification Sherloc (09022015). Collection method: clinical testing. Allele origin: germline.
Comment: This sequence change creates a premature translational stop signal (p.Asn310Ilefs*5) in the MME gene. It is expected to result in an absent or disrupted protein product. Loss-of-function variants in MME are known to be pathogenic (PMID: 26991897). This variant is not present in population databases (gnomAD no frequency). For these reasons, this variant has been classified as Pathogenic. This variant has not been reported in the literature in individuals affected with MME-related conditions.

Literature cited by the submitters: PubMed 26991897.